The following is an entry in ClinVar:

NM_000132.4(F8):c.2113+471_2113+473dup

Gene: F8 (coagulation factor VIII; minus strand). Cytogenetic location: Xq28.
Variant type: Duplication.
Coding change: c.2113+471_2113+473dup on transcript NM_000132.4 (MANE Select); bases 471 to 473 of the intron after coding-DNA position 2113, 3 bases duplicated (TTT; older notation c.2113+471_2113+473dupTTT).
Molecular consequence: intron variant.
Genome position (GRCh38, 1-based): chrX:154,947,225-154,947,227, AAA duplicated on the plus strand (TTT on the coding strand, the reverse complement: F8 is on the minus strand); duplicating any 3 consecutive bases within chrX:154,947,225-154,947,249 gives the same sequence; the c. name uses the placement nearest the transcript's 3' end. VCF-style (leftmost placement, unchanged base first): chrX-154947224-G-GAAA. GRCh37 (hg19) VCF-style: chrX-154175499-G-GAAA.
Identifiers: ClinVar variation 2661870 (VCV002661870.24), dbSNP rs781928603, ClinGen allele CA645243115.

ClinVar aggregate classification (germline): Benign (1 of 4 stars; one submission).

Submission:

CeGaT Center for Human Genetics Tuebingen
Classification: Benign. Last evaluated: 2022-12-01. Review status: criteria provided, single submitter. Criteria: CeGaT Center For Human Genetics Tuebingen Variant Classification Criteria Version 2. Collection method: clinical testing. Allele origin: germline. Affected: yes. Observed: 1 variant allele.
Comment: F8: BS1, BS2